The following is an entry in ClinVar:

ClinVar aggregate classification (germline): Uncertain significance (1 of 4 stars; one submission).

Conditions:
Familial adenomatous polyposis 2. Also called: MYH-associated polyposis; MUTYH Polyposis; Adenomas, multiple colorectal; COLORECTAL ADENOMATOUS POLYPOSIS, AUTOSOMAL RECESSIVE; ADENOMAS, MULTIPLE COLORECTAL, AUTOSOMAL RECESSIVE; MUTYH-associated polyposis. Identifiers: Orphanet 220460, Orphanet 247798, MedGen C3272841, MONDO:0012041, OMIM 608456.

Submission:

Labcorp Genetics (formerly Invitae), Labcorp
Classification: Uncertain significance for Familial adenomatous polyposis 2. Last evaluated: 2025-06-30. Review status: criteria provided, single submitter. Criteria: Invitae Variant Classification Sherloc (09022015). Collection method: clinical testing. Allele origin: germline.
Comment: This sequence change replaces arginine, which is basic and polar, with glycine, which is neutral and non-polar, at codon 70 of the MUTYH protein (p.Arg70Gly). This variant is not present in population databases (gnomAD no frequency). This variant has not been reported in the literature in individuals affected with MUTYH-related conditions. An algorithm developed to predict the effect of missense changes on protein structure and function outputs the following: PolyPhen-2: "Benign". The glycine amino acid residue is found in multiple mammalian species, which suggests that this missense change does not adversely affect protein function. In summary, the available evidence is currently insufficient to determine the role of this variant in disease. Therefore, it has been classified as a Variant of Uncertain Significance.

NM_001048174.2(MUTYH):c.124A>G (p.Arg42Gly)

Gene: MUTYH (mutY DNA glycosylase; minus strand). Cytogenetic location: 1p34.1.
Variant type: single nucleotide variant.
Coding change: c.124A>G on transcript NM_001048174.2 (MANE Select); coding-DNA position 124, A replaced by G.
Protein change: p.Arg42Gly; replaces arginine 42 with glycine.
Molecular consequence: missense variant. On other transcripts: 5 prime UTR variant (1), non-coding transcript variant (5), intron variant (5).
Genome position (GRCh38, 1-based): chr1:45,333,553, T>C on the plus strand (A>G on the coding strand, the complement: MUTYH is on the minus strand). VCF-style: chr1-45333553-T-C. GRCh37 (hg19) VCF-style: chr1-45799225-T-C.
Other names: c.124A>G, p.Arg42Gly (NM_001048171.2, NM_001048173.2, NM_001293195.2 and 6 more transcripts); c.127A>G, p.Arg43Gly (NM_001048172.2, NM_001407071.1, NM_001407078.1 and 2 more transcripts); c.208A>G, p.Arg70Gly (NM_001128425.2); c.169A>G, p.Arg57Gly (NM_001293190.2); c.157A>G, p.Arg53Gly (NM_001293191.2, NM_001407077.1); c.-148A>G (NM_001350650.2); c.199A>G, p.Arg67Gly (NM_001407069.1, NM_012222.3); c.166A>G, p.Arg56Gly (NM_001407073.1, NM_001407083.1, NM_001407085.1); and 4 more; short protein forms R53G, R56G, R42G, R70G, R14G, R49G, R43G, R57G.
Identifiers: ClinVar variation 4764747 (VCV004764747.1).